The following is an entry in ClinVar:

ClinVar aggregate classification (germline): Uncertain significance. Review status: criteria provided, multiple submitters, no conflicts (2 of 4 stars). 2 submissions from 2 submitters: Uncertain significance (2). Last evaluated 2025-09-01.

Conditions:
Inborn genetic diseases. Identifiers: MedGen C0950123, MeSH D030342.

Allele frequency attached by ClinVar (database versions not stated): gnomAD exomes 0.00001; TOPMed 0.00002.
gnomAD v4.1: 16 of 1,560,322 alleles (0.001%); highest among the groups gnomAD compares: Non-Finnish European, 0.0014%; no homozygotes.

Submissions (2):

Ambry Genetics
Classification: Uncertain significance for Inborn genetic diseases. Last evaluated: 2025-09-01. Review status: criteria provided, single submitter. Criteria: Ambry Variant Classification Scheme 2023. Collection method: clinical testing. Allele origin: germline.

Labcorp Genetics (formerly Invitae), Labcorp
Classification: Uncertain significance. Last evaluated: 2024-07-03. Review status: criteria provided, single submitter. Criteria: Invitae Variant Classification Sherloc (09022015). Collection method: clinical testing. Allele origin: germline.
Comment: This sequence change replaces lysine, which is basic and polar, with threonine, which is neutral and polar, at codon 211 of the PDE6B protein (p.Lys211Thr). This variant is present in population databases (no rsID available, gnomAD 0.002%). This variant has not been reported in the literature in individuals affected with PDE6B-related conditions. ClinVar contains an entry for this variant (Variation ID: 1934580). Advanced modeling of protein sequence and biophysical properties (such as structural, functional, and spatial information, amino acid conservation, physicochemical variation, residue mobility, and thermodynamic stability) performed at Invitae indicates that this missense variant is not expected to disrupt PDE6B protein function with a negative predictive value of 80%. In summary, the available evidence is currently insufficient to determine the role of this variant in disease. Therefore, it has been classified as a Variant of Uncertain Significance.

NM_000283.4(PDE6B):c.632A>C (p.Lys211Thr)

Gene: PDE6B (phosphodiesterase 6B; plus strand). Cytogenetic location: 4p16.3.
Variant type: single nucleotide variant.
Coding change: c.632A>C on transcript NM_000283.4 (MANE Select); coding-DNA position 632, A replaced by C.
Protein change: p.Lys211Thr; replaces lysine 211 with threonine.
Molecular consequence: missense variant.
Genome position (GRCh38, 1-based): chr4:635,890, A>C. VCF-style: chr4-635890-A-C. GRCh37 (hg19) VCF-style: chr4-629679-A-C.
Other names: c.632A>C (NM_000283.3); c.632A>C, p.Lys211Thr (NM_001145291.2); short protein forms K211T.
Identifiers: ClinVar variation 1934580 (VCV001934580.6), dbSNP rs931585780, ClinGen allele CA91061235.